The following is an entry in ClinVar:

ClinVar aggregate classification (germline): Benign/Likely benign. Review status: criteria provided, multiple submitters, no conflicts (2 of 4 stars). 3 submissions from 3 submitters: Benign (1); Likely benign (1). 1 of the submissions does not count toward it. Last evaluated 2025-12-19.

Conditions:
RERE-related disorder. Also called: RERE-related condition; RERE-Related Disorders. Identifiers: MedGen CN381537.

Allele frequency attached by ClinVar (database versions not stated): TOPMed 0.00087; gnomAD 0.00091; 1000 Genomes Project 30x 0.00109; ExAC 0.00110; gnomAD exomes 0.00122; ESP Exome Variant Server 0.00131; 1000 Genomes Project 0.00140.
gnomAD v4.1: 1,567 of 1,607,702 alleles (0.097%); highest among the groups gnomAD compares: Non-Finnish European, 0.091%; 3 homozygotes.

Submissions (3):

Labcorp Genetics (formerly Invitae), Labcorp
Classification: Benign. Last evaluated: 2025-12-19. Review status: criteria provided, single submitter. Criteria: Invitae Variant Classification Sherloc (09022015). Collection method: clinical testing. Allele origin: germline.

Blueprint Genetics
Classification: Likely benign. Last evaluated: 2024-08-29. Review status: criteria provided, single submitter. Criteria: ACMG Guidelines, 2015. Collection method: clinical testing. Allele origin: germline.

PreventionGenetics, part of Exact Sciences
Classification: Benign for RERE-related condition. Last evaluated: 2020-10-07. Review status: no assertion criteria provided. Collection method: clinical testing. Allele origin: germline. Not counted in ClinVar's aggregate classification.
Comment: This variant is classified as benign based on ACMG/AMP sequence variant interpretation guidelines (Richards et al. 2015 PMID: 25741868, with internal and published modifications).

NM_001042681.2(RERE):c.1540+10C>T

Gene: RERE (arginine-glutamic acid dipeptide repeats; minus strand). Cytogenetic location: 1p36.23.
Variant type: single nucleotide variant.
Coding change: c.1540+10C>T on transcript NM_001042681.2 (MANE Select); 10 bases into the intron after coding-DNA position 1540, C replaced by T.
Molecular consequence: intron variant.
Genome position (GRCh38, 1-based): chr1:8,364,736, G>A on the plus strand (C>T on the coding strand, the complement: RERE is on the minus strand). VCF-style: chr1-8364736-G-A. GRCh37 (hg19) VCF-style: chr1-8424796-G-A.
Other names: c.1540+10C>T (NM_012102.4); c.-123+10C>T (NM_001042682.2).
Identifiers: ClinVar variation 713321 (VCV000713321.13), dbSNP rs150863133, ClinGen allele CA571677.
Genomic context (GRCh38, chr1:8,364,736, plus strand): 5'-CATGAAATGTTCAGAACATGGAAGTGCTTGTGCCCCCGCCCCGCCCCAGGAGCGTGACGA[G>A]GCCACTTACTGGTGGTGAAGCAGTGGCGGCAGGCGTACCCCTTCAGCTCCTGCTCACTGT-3'